The following is an entry in ClinVar:

NM_001136035.4(TRMT1):c.1110dup (p.Lys371fs)

Gene: TRMT1 (tRNA methyltransferase 1; minus strand). Cytogenetic location: 19p13.13.
Variant type: Duplication.
Coding change: c.1110dup on transcript NM_001136035.4 (MANE Select); coding-DNA position 1110, one base duplicated (C; older notation c.1110dupC).
Protein change: p.Lys371fs; shifts the reading frame from lysine 371.
Molecular consequence: frameshift variant.
Genome position (GRCh38, 1-based): chr19:13,109,835, G duplicated on the plus strand (C on the coding strand, the reverse complement: TRMT1 is on the minus strand); the first of 2 consecutive G bases (chr19:13,109,835-13,109,836); duplicating either gives the same sequence. VCF-style (leftmost placement, unchanged base first): chr19-13109834-T-TG. GRCh37 (hg19) VCF-style: chr19-13220648-T-TG.
Other names: c.1023dup, p.Lys342fs (NM_001142554.3, NM_001351760.2); c.1002dup, p.Lys335fs (NM_001351761.2); c.327dup, p.Lys110fs (NM_001351762.2); c.1110dup, p.Lys371fs (NM_017722.5); short protein forms K110fs, K371fs, K335fs, K342fs.
Identifiers: ClinVar variation 2277109 (VCV002277109.2), dbSNP rs2513086957, ClinGen allele CA2580096560.
Genomic context (GRCh38, chr19:13,109,834, plus strand): 5'-GTCGTTGCCCACAGTGTTCACACTCGGGGGTCACAGGGGGACCACAGGCTGCAGAGAACT[T>TG]GGCCCTAAACAGAGAGGGGTGGTTGGTGGGGAGGGAGGAAAACCCTGGGACTCCCCTTCT-3'

ClinVar aggregate classification (germline): Pathogenic (1 of 4 stars; one submission).

Conditions:
Inborn genetic diseases. Identifiers: MedGen C0950123, MeSH D030342.

Submission:

Ambry Genetics
Classification: Pathogenic for Inborn genetic diseases. Last evaluated: 2022-03-22. Review status: criteria provided, single submitter. Criteria: Ambry Variant Classification Scheme 2023. Collection method: clinical testing. Allele origin: germline.
Comment: The c.1110dupC (p.K371Qfs*15) alteration, located in exon 9 (coding exon 9) of the TRMT1 gene, consists of a duplication of C at position 1110, causing a translational frameshift with a predicted alternate stop codon after 15 amino acids. This alteration is expected to result in loss of function by premature protein truncation or nonsense-mediated mRNA decay. This variant was not reported in population-based cohorts in the Genome Aggregation Database (gnomAD). Based on the available evidence, this alteration is classified as pathogenic.